The following is an entry in ClinVar:

ClinVar aggregate classification (germline): Likely benign. Review status: criteria provided, multiple submitters, no conflicts (2 of 4 stars). 2 submissions from 2 submitters: Likely benign (2). Last evaluated 2022-03-03.

Allele frequency attached by ClinVar (database versions not stated): gnomAD 0.00001.
gnomAD v4.1: 1 of 1,613,476 alleles (0.000062%); highest among the groups gnomAD compares: African/African-American, 0.0013%; no homozygotes.

Submissions (2):

Labcorp Genetics (formerly Invitae), Labcorp
Classification: Likely benign. Last evaluated: 2022-03-03. Review status: criteria provided, single submitter. Criteria: Invitae Variant Classification Sherloc (09022015). Collection method: clinical testing. Allele origin: germline.

Laboratory for Molecular Medicine, Mass General Brigham Personalized Medicine
Classification: Likely benign. Last evaluated: 2017-08-10. Review status: criteria provided, single submitter. Criteria: LMM Criteria. Collection method: clinical testing. Allele origin: germline. Observed: 1 variant allele.
Comment: p.Gly1315Gly in exon 54 of COL11A2: This variant is not expected to have clinica l significance because it does not alter an amino acid residue and is not locate d within the splice consensus sequence.

NM_080680.3(COL11A2):c.3945G>A (p.Gly1315=)

Gene: COL11A2 (collagen type XI alpha 2 chain; minus strand). Cytogenetic location: 6p21.32.
Variant type: single nucleotide variant.
Coding change: c.3945G>A on transcript NM_080680.3 (MANE Select); coding-DNA position 3945, G replaced by A.
Protein change: p.Gly1315=; no amino-acid change (glycine 1315 retained).
Molecular consequence: synonymous variant.
Genome position (GRCh38, 1-based): chr6:33,168,534, C>T on the plus strand (G>A on the coding strand, the complement: COL11A2 is on the minus strand). VCF-style: chr6-33168534-C-T. GRCh37 (hg19) VCF-style: chr6-33136311-C-T.
Other names: c.3624G>A, p.Gly1208= (NM_080679.3); c.3687G>A, p.Gly1229= (NM_080681.3).
Identifiers: ClinVar variation 517492 (VCV000517492.12), dbSNP rs1321962760, ClinGen allele CA449870656.